The following is an entry in ClinVar:

ClinVar aggregate classification (germline): Uncertain significance (1 of 4 stars; one submission).

Submission:

Labcorp Genetics (formerly Invitae), Labcorp
Classification: Uncertain significance. Last evaluated: 2025-11-23. Review status: criteria provided, single submitter. Criteria: Invitae Variant Classification Sherloc (09022015). Collection method: clinical testing. Allele origin: germline.
Comment: This sequence change replaces isoleucine, which is neutral and non-polar, with methionine, which is neutral and non-polar, at codon 394 of the HNRNPK protein (p.Ile394Met). This variant is not present in population databases (gnomAD no frequency). This variant has not been reported in the literature in individuals affected with HNRNPK-related conditions. Invitae Evidence Modeling of protein sequence and biophysical properties (such as structural, functional, and spatial information, amino acid conservation, physicochemical variation, residue mobility, and thermodynamic stability) indicates that this missense variant is expected to disrupt HNRNPK protein function with a positive predictive value of 80%. In summary, the available evidence is currently insufficient to determine the role of this variant in disease. Therefore, it has been classified as a Variant of Uncertain Significance.

NM_031263.4(HNRNPK):c.1182T>G (p.Ile394Met)

Gene: HNRNPK (heterogeneous nuclear ribonucleoprotein K; minus strand). Cytogenetic location: 9q21.32.
Variant type: single nucleotide variant.
Coding change: c.1182T>G on transcript NM_031263.4 (MANE Select); coding-DNA position 1182, T replaced by G.
Protein change: p.Ile394Met; replaces isoleucine 394 with methionine.
Molecular consequence: missense variant.
Genome position (GRCh38, 1-based): chr9:83,970,746, A>C on the plus strand (T>G on the coding strand, the complement: HNRNPK is on the minus strand). VCF-style: chr9-83970746-A-C. GRCh37 (hg19) VCF-style: chr9-86585661-A-C.
Other names: c.1110T>G, p.Ile370Met (NM_001318186.2, NM_001318187.2); c.1182T>G, p.Ile394Met (NM_001318188.2, NM_002140.5, NM_031262.4); short protein forms I370M, I394M.
Identifiers: ClinVar variation 4741501 (VCV004741501.1).